The following is an entry in ClinVar:

ClinVar aggregate classification (germline): Uncertain significance (1 of 4 stars; one submission).

Conditions:
Cardiovascular phenotype. Identifiers: MedGen CN230736.

Allele frequency attached by ClinVar (database versions not stated): gnomAD 0.00003; TOPMed 0.00003; ExAC 0.00004; gnomAD exomes 0.00006.

Submission:

Ambry Genetics
Classification: Uncertain significance for Cardiovascular phenotype. Last evaluated: 2025-02-04. Review status: criteria provided, single submitter. Criteria: Ambry Variant Classification Scheme 2023. Collection method: clinical testing. Allele origin: germline.
Comment: The p.R280C variant (also known as c.838C>T), located in coding exon 6 of the LCAT gene, results from a C to T substitution at nucleotide position 838. The arginine at codon 280 is replaced by cysteine, an amino acid with highly dissimilar properties. This amino acid position is conserved. In addition, the in silico prediction for this alteration is inconclusive. Since supporting evidence is limited at this time, the clinical significance of this alteration remains unclear.

NM_000229.2(LCAT):c.838C>T (p.Arg280Cys)

Gene: LCAT (lecithin-cholesterol acyltransferase; minus strand). Cytogenetic location: 16q22.1.
Variant type: single nucleotide variant.
Coding change: c.838C>T on transcript NM_000229.2 (MANE Select); coding-DNA position 838, C replaced by T.
Protein change: p.Arg280Cys; replaces arginine 280 with cysteine.
Molecular consequence: missense variant.
Genome position (GRCh38, 1-based): chr16:67,940,389, G>A on the plus strand (C>T on the coding strand, the complement: LCAT is on the minus strand). VCF-style: chr16-67940389-G-A. GRCh37 (hg19) VCF-style: chr16-67974292-G-A.
Other names: short protein forms R280C.
Identifiers: ClinVar variation 2452825 (VCV002452825.3), dbSNP rs777491211, ClinGen allele CA8120949.